The following is an entry in ClinVar:

NM_000361.3(THBD):c.1574G>A (p.Ser525Asn)

Gene: THBD (thrombomodulin; minus strand). Cytogenetic location: 20p11.21.
Variant type: single nucleotide variant.
Coding change: c.1574G>A on transcript NM_000361.3 (MANE Select); coding-DNA position 1574, G replaced by A.
Protein change: p.Ser525Asn; replaces serine 525 with asparagine.
Molecular consequence: missense variant.
Genome position (GRCh38, 1-based): chr20:23,047,931, C>T on the plus strand (G>A on the coding strand, the complement: THBD is on the minus strand). VCF-style: chr20-23047931-C-T. GRCh37 (hg19) VCF-style: chr20-23028568-C-T.
Other names: short protein forms S525N.
Identifiers: ClinVar variation 4697784 (VCV004697784.1).
Genomic context (GRCh38, chr20:23,047,931, plus strand): 5'-GCGCCCTGCTTCTTGCGCAGGTGGCAGAGGAGCGCCAAAAGCGCCACCACCAGGCACAGG[C>T]TCGCGATGGAGATGCCTATGAGCAAGCCCGAATGCACGAGCCCCACGGCCGGAGGAGTCA-3'
Protein context (NP_000352.1, residues 515-535): SGLLIGISIA[Ser525Asn]LCLVVALLAL

ClinVar aggregate classification (germline): Uncertain significance (1 of 4 stars; one submission).

gnomAD v4.1: 7 of 1,609,964 alleles (0.00043%); highest among the groups gnomAD compares: Non-Finnish European, 0.00059%; no homozygotes.

Submission:

Labcorp Genetics (formerly Invitae), Labcorp
Classification: Uncertain significance. Last evaluated: 2026-01-13. Review status: criteria provided, single submitter. Criteria: Invitae Variant Classification Sherloc (09022015). Collection method: clinical testing. Allele origin: germline.
Comment: This sequence change replaces serine, which is neutral and polar, with asparagine, which is neutral and polar, at codon 525 of the THBD protein (p.Ser525Asn). This variant is not present in population databases (gnomAD no frequency). This variant has not been reported in the literature in individuals affected with THBD-related conditions. Invitae Evidence Modeling of protein sequence and biophysical properties (such as structural, functional, and spatial information, amino acid conservation, physicochemical variation, residue mobility, and thermodynamic stability) indicates that this missense variant is expected to disrupt THBD protein function with a positive predictive value of 80%. In summary, the available evidence is currently insufficient to determine the role of this variant in disease. Therefore, it has been classified as a Variant of Uncertain Significance.